The following is an entry in ClinVar:

ClinVar aggregate classification (germline): Uncertain significance (1 of 4 stars; one submission).

Conditions:
Episodic ataxia type 2 (EA2). Also called: CEREBELLAR ATAXIA, PAROXYSMAL, ACETAZOLAMIDE-RESPONSIVE; CEREBELLOPATHY, HEREDITARY PAROXYSMAL; EPISODIC ATAXIA, NYSTAGMUS-ASSOCIATED; ACETAZOLAMIDE-RESPONSIVE HEREDITARY PAROXYSMAL CEREBELLAR ATAXIA; ATAXIA, EPISODIC, WITH NYSTAGMUS; ATAXIA, FAMILIAL PAROXYSMAL. Identifiers: Orphanet 97, MedGen C1720416, MONDO:0007163, OMIM 108500.
Developmental and epileptic encephalopathy, 42 (DEE42A). Also called: Epileptic encephalopathy, early infantile, 42; DEVELOPMENTAL AND EPILEPTIC ENCEPHALOPATHY 42A; EPILEPTIC ENCEPHALOPATHY, EARLY INFANTILE, 42A. Identifiers: MedGen C4310716, MONDO:0014917, OMIM 617106.

Submission:

Labcorp Genetics (formerly Invitae), Labcorp
Classification: Uncertain significance for Developmental and epileptic encephalopathy, 42; Episodic ataxia type 2. Last evaluated: 2024-01-29. Review status: criteria provided, single submitter. Criteria: Invitae Variant Classification Sherloc (09022015). Collection method: clinical testing. Allele origin: germline.
Comment: This sequence change replaces arginine, which is basic and polar, with histidine, which is basic and polar, at codon 3 of the CACNA1A protein (p.Arg3His). This variant is not present in population databases (gnomAD no frequency). This variant has not been reported in the literature in individuals affected with CACNA1A-related conditions. Advanced modeling of protein sequence and biophysical properties (such as structural, functional, and spatial information, amino acid conservation, physicochemical variation, residue mobility, and thermodynamic stability) performed at Invitae indicates that this missense variant is expected to disrupt CACNA1A protein function with a positive predictive value of 95%. In summary, the available evidence is currently insufficient to determine the role of this variant in disease. Therefore, it has been classified as a Variant of Uncertain Significance.

NM_001127222.2(CACNA1A):c.8G>A (p.Arg3His)

Gene: CACNA1A (calcium voltage-gated channel subunit alpha1 A; minus strand). Cytogenetic location: 19p13.13.
Variant type: single nucleotide variant.
Coding change: c.8G>A on transcript NM_001127222.2 (MANE Select); coding-DNA position 8, G replaced by A.
Protein change: p.Arg3His; replaces arginine 3 with histidine.
Molecular consequence: missense variant.
Genome position (GRCh38, 1-based): chr19:13,506,217, C>T on the plus strand (G>A on the coding strand, the complement: CACNA1A is on the minus strand). VCF-style: chr19-13506217-C-T. GRCh37 (hg19) VCF-style: chr19-13617031-C-T.
Other names: c.8G>A, p.Arg3His (NM_000068.4, NM_001127221.2, NM_001174080.2 and 1 more transcripts); short protein forms R3H.
Identifiers: ClinVar variation 2933717 (VCV002933717.3), dbSNP rs2513710483, ClinGen allele CA404971394.
Genomic context (GRCh38, chr19:13,506,217, plus strand): 5'-ACCCCGGCGGCTGCCCCGGAGCCTCCTCCCCCGTAGCGGGCCGGCATCTCGTCTCCGAAG[C>T]GGGCCATTCTGCAAAGAGCAAAGGGCTCCGGGTTACGCTGCGGCGAACGATGCGGAAGAC-3'
Protein context (NP_001120694.1, residues 1-13): MA[Arg3His]FGDEMPARYG